The following is an entry in ClinVar:

ClinVar aggregate classification (germline): Uncertain significance (1 of 4 stars; one submission).

Conditions:
Primary ciliary dyskinesia. Also called: Ciliary dyskinesia. Identifiers: Orphanet 244, MedGen C0008780, MONDO:0016575, HP:0012265.

Submission:

Ambry Genetics
Classification: Uncertain significance for Primary ciliary dyskinesia. Last evaluated: 2021-07-27. Review status: criteria provided, single submitter. Criteria: Ambry Variant Classification Scheme 2023. Collection method: clinical testing. Allele origin: germline.
Comment: The p.K2057R variant (also known as c.6170A>G), located in coding exon 37 of the DNAH5 gene, results from an A to G substitution at nucleotide position 6170. The lysine at codon 2057 is replaced by arginine, an amino acid with highly similar properties. This amino acid position is conserved. In addition, this alteration is predicted to be tolerated by in silico analysis. Since supporting evidence is limited at this time, the clinical significance of this alteration remains unclear.

NM_001369.3(DNAH5):c.6170A>G (p.Lys2057Arg)

Gene: DNAH5 (dynein axonemal heavy chain 5; minus strand). Cytogenetic location: 5p15.2.
Variant type: single nucleotide variant.
Coding change: c.6170A>G on transcript NM_001369.3 (MANE Select); coding-DNA position 6170, A replaced by G.
Protein change: p.Lys2057Arg; replaces lysine 2057 with arginine.
Molecular consequence: missense variant.
Genome position (GRCh38, 1-based): chr5:13,830,105, T>C on the plus strand (A>G on the coding strand, the complement: DNAH5 is on the minus strand). VCF-style: chr5-13830105-T-C. GRCh37 (hg19) VCF-style: chr5-13830214-T-C.
Other names: short protein forms K2057R.
Identifiers: ClinVar variation 1752005 (VCV001752005.2), dbSNP rs1256261329, ClinGen allele CA359201109.